The following is an entry in ClinVar:

ClinVar aggregate classification (germline): Conflicting classifications of pathogenicity. Review status: criteria provided, conflicting classifications (1 of 4 stars). 3 submissions from 3 submitters: Uncertain significance (2); Likely benign (1). Last evaluated 2026-08-06.

Conditions:
Inborn genetic diseases. Identifiers: MedGen C0950123, MeSH D030342.
Episodic ataxia type 2 (EA2). Also called: ATAXIA, EPISODIC, WITH NYSTAGMUS; ATAXIA, FAMILIAL PAROXYSMAL; CEREBELLAR ATAXIA, PAROXYSMAL, ACETAZOLAMIDE-RESPONSIVE; CEREBELLOPATHY, HEREDITARY PAROXYSMAL; ACETAZOLAMIDE-RESPONSIVE HEREDITARY PAROXYSMAL CEREBELLAR ATAXIA; EPISODIC ATAXIA, NYSTAGMUS-ASSOCIATED. Identifiers: Orphanet 97, MedGen C1720416, MONDO:0007163, OMIM 108500.
Developmental and epileptic encephalopathy, 42 (DEE42A). Also called: DEVELOPMENTAL AND EPILEPTIC ENCEPHALOPATHY 42A; EPILEPTIC ENCEPHALOPATHY, EARLY INFANTILE, 42A; Epileptic encephalopathy, early infantile, 42. Identifiers: MedGen C4310716, MONDO:0014917, OMIM 617106.

Allele frequency attached by ClinVar (database versions not stated): ExAC 0.00003; gnomAD 0.00003; gnomAD exomes 0.00003; TOPMed 0.00003.
gnomAD v4.1: 28 of 1,607,644 alleles (0.0017%); highest among the groups gnomAD compares: East Asian, 0.036%; no homozygotes.

Submissions (3):

GeneDx
Classification: Uncertain significance. Last evaluated: 2026-08-06. Review status: criteria provided, single submitter. Criteria: GeneDx Variant Classification Process June 2021. Collection method: clinical testing. Allele origin: germline.
Comment: In silico analysis supports that this missense variant has a deleterious effect on protein structure/function; Has not been previously published as pathogenic or benign to our knowledge

Labcorp Genetics (formerly Invitae), Labcorp
Classification: Likely benign for Developmental and epileptic encephalopathy, 42; Episodic ataxia type 2. Last evaluated: 2024-12-28. Review status: criteria provided, single submitter. Criteria: Invitae Variant Classification Sherloc (09022015). Collection method: clinical testing. Allele origin: germline.

Ambry Genetics
Classification: Uncertain significance for Inborn genetic diseases. Last evaluated: 2024-09-03. Review status: criteria provided, single submitter. Criteria: Ambry Variant Classification Scheme 2023. Collection method: clinical testing. Allele origin: germline.

NM_001127222.2(CACNA1A):c.3119C>T (p.Ser1040Leu)

Gene: CACNA1A (calcium voltage-gated channel subunit alpha1 A; minus strand). Cytogenetic location: 19p13.13.
Variant type: single nucleotide variant.
Coding change: c.3119C>T on transcript NM_001127222.2 (MANE Select); coding-DNA position 3119, C replaced by T.
Protein change: p.Ser1040Leu; replaces serine 1040 with leucine.
Molecular consequence: missense variant.
Genome position (GRCh38, 1-based): chr19:13,286,937, G>A on the plus strand (C>T on the coding strand, the complement: CACNA1A is on the minus strand). VCF-style: chr19-13286937-G-A. GRCh37 (hg19) VCF-style: chr19-13397751-G-A.
Other names: c.3131C>T, p.Ser1044Leu (NM_000068.4, NM_023035.3); c.3122C>T, p.Ser1041Leu (NM_001127221.2, NM_001174080.2); short protein forms S1041L, S1040L, S1044L.
Identifiers: ClinVar variation 392867 (VCV000392867.11), dbSNP rs776628272, ClinGen allele CA9240407.